The following is an entry in ClinVar:

NM_006017.3(PROM1):c.1234_1239del (p.Tyr412_Val413del)

Gene: PROM1 (prominin 1; minus strand). Cytogenetic location: 4p15.32.
Variant type: Deletion.
Coding change: c.1234_1239del on transcript NM_006017.3 (MANE Select); coding-DNA positions 1234 to 1239, 6 bases deleted (TATGTT; older notation c.1234_1239delTATGTT).
Protein change: p.Tyr412_Val413del.
Molecular consequence: inframe deletion.
Genome position (GRCh38, 1-based): chr4:16,009,011-16,009,016, AACATA deleted on the plus strand (TATGTT on the coding strand, the reverse complement: PROM1 is on the minus strand); deleting any 6 consecutive bases within chr4:16,009,011-16,009,020 gives the same sequence; the c. name uses the placement nearest the transcript's 3' end. VCF-style (leftmost placement, unchanged base first): chr4-16009010-TAACATA-T. GRCh37 (hg19) VCF-style: chr4-16010633-TAACATA-T.
Other names: c.1207_1212del, p.Tyr403_Val404del (NM_001145847.2, NM_001145848.2, NM_001145851.2 and 4 more transcripts); c.1234_1239del, p.Tyr412_Val413del (NM_001145849.2, NM_001145850.2).
Identifiers: ClinVar variation 864382 (VCV000864382.10), dbSNP rs1726202525, ClinGen allele CA916082636.

ClinVar aggregate classification (germline): Uncertain significance (1 of 4 stars; one submission).

Submission:

Labcorp Genetics (formerly Invitae), Labcorp
Classification: Uncertain significance. Last evaluated: 2019-12-28. Review status: criteria provided, single submitter. Criteria: Invitae Variant Classification Sherloc (09022015). Collection method: clinical testing. Allele origin: germline.
Comment: In summary, the available evidence is currently insufficient to determine the role of this variant in disease. Therefore, it has been classified as a Variant of Uncertain Significance. Experimental studies and prediction algorithms are not available or were not evaluated, and the functional significance of this variant is currently unknown. This variant has not been reported in the literature in individuals with PROM1-related conditions. This variant is not present in population databases (ExAC no frequency). This variant, c.1234_1239del, results in the deletion of 2 amino acid(s) of the PROM1 protein (p.Tyr412_Val413del), but otherwise preserves the integrity of the reading frame.